The following is an entry in ClinVar:

ClinVar aggregate classification (germline): Uncertain significance (1 of 4 stars; one submission).

Conditions:
Inborn genetic diseases. Identifiers: MedGen C0950123, MeSH D030342.

gnomAD v4.1: 8 of 1,594,490 alleles (0.0005%); highest among the groups gnomAD compares: South Asian, 0.0023%; no homozygotes.

Submission:

Ambry Genetics
Classification: Uncertain significance for Inborn genetic diseases. Last evaluated: 2021-04-16. Review status: criteria provided, single submitter. Criteria: Ambry Variant Classification Scheme 2023. Collection method: clinical testing. Allele origin: germline.
Comment: The p.G372W variant (also known as c.1114G>T), located in coding exon 12 of the ATL3 gene, results from a G to T substitution at nucleotide position 1114. The glycine at codon 372 is replaced by tryptophan, an amino acid with highly dissimilar properties. This amino acid position is highly conserved in available vertebrate species. In addition, this alteration is predicted to be deleterious by in silico analysis. Since supporting evidence is limited at this time, the clinical significance of this alteration remains unclear.

NM_015459.5(ATL3):c.1114G>T (p.Gly372Trp)

Genes: ATL3 (atlastin GTPase 3; minus strand), LNCROPM (lncRNA regulator of PLAAT3 mediated phospholipid metabolism; plus strand), LOC126861231 (CDK7 strongly-dependent group 2 enhancer GRCh37_chr11:63398741-63399940; plus strand). Cytogenetic location: 11q13.1.
Variant type: single nucleotide variant.
Coding change: c.1114G>T on transcript NM_015459.5 (MANE Select); coding-DNA position 1114, G replaced by T.
Protein change: p.Gly372Trp; replaces glycine 372 with tryptophan.
Molecular consequence: missense variant.
Genome position (GRCh38, 1-based): chr11:63,631,465, C>A on the plus strand (G>T on the coding strand, the complement: ATL3 is on the minus strand). VCF-style: chr11-63631465-C-A. GRCh37 (hg19) VCF-style: chr11-63398937-C-A.
Other names: c.1060G>T, p.Gly354Trp (NM_001290048.2); short protein forms G354W, G372W.
Identifiers: ClinVar variation 1795990 (VCV001795990.2), dbSNP rs755513890, ClinGen allele CA6063576.